The following is an entry in ClinVar:

NM_182700.6(SP8):c.475_495del (p.Gly159_Gly165del)

Gene: SP8 (Sp8 transcription factor; minus strand). Cytogenetic location: 7p21.1.
Variant type: Deletion.
Coding change: c.475_495del on transcript NM_182700.6 (MANE Select); coding-DNA positions 475 to 495, 21 bases deleted (GGCGGGGGCGGCGGCGGCGGC).
Protein change: p.Gly159_Gly165del.
Genome position (GRCh38, 1-based): chr7:20,785,322-20,785,342, GCCGCCGCCGCCGCCCCCGCC deleted on the plus strand (GGCGGGGGCGGCGGCGGCGGC on the coding strand, the reverse complement: SP8 is on the minus strand); deleting any 21 consecutive bases within chr7:20,785,322-20,785,353 gives the same sequence; the c. name uses the placement nearest the transcript's 3' end. VCF-style (leftmost placement, unchanged base first): chr7-20785321-AGCCGCCGCCGCCGCCCCCGCC-A. GRCh37 (hg19) VCF-style: chr7-20824940-AGCCGCCGCCGCCGCCCCCGCC-A.
Other names: c.421_441del, p.Gly141_Gly147del (NM_198956.4).
Identifiers: ClinVar variation 3047108 (VCV003047108.2), dbSNP rs751892578, ClinGen allele CA1693133261.

ClinVar aggregate classification (germline): Likely benign (0 of 4 stars; one submission).

Conditions:
SP8-related disorder. Also called: SP8-related condition.

Submission:

PreventionGenetics, part of Exact Sciences
Classification: Likely benign for SP8-related condition. Last evaluated: 2019-02-21. Review status: no assertion criteria provided. Collection method: clinical testing. Allele origin: germline.
Comment: This variant is classified as likely benign based on ACMG/AMP sequence variant interpretation guidelines (Richards et al. 2015 PMID: 25741868, with internal and published modifications).